The following is an entry in ClinVar:

ClinVar aggregate classification (germline): Uncertain significance (1 of 4 stars; one submission).

Conditions:
Focal segmental glomerulosclerosis 5 (FSGS5). Identifiers: Orphanet 656, MedGen C2750475, MONDO:0013191, OMIM 613237.
Charcot-Marie-Tooth disease dominant intermediate E. Also called: CHARCOT-MARIE-TOOTH NEUROPATHY WITH FOCAL SEGMENTAL GLOMERULONEPHRITIS. Identifiers: Orphanet 93114, MedGen C4302667, MONDO:0013758, OMIM 614455.

Submission:

Labcorp Genetics (formerly Invitae), Labcorp
Classification: Uncertain significance for Charcot-Marie-Tooth disease dominant intermediate E; Focal segmental glomerulosclerosis 5. Last evaluated: 2020-07-20. Review status: criteria provided, single submitter. Criteria: Invitae Variant Classification Sherloc (09022015). Collection method: clinical testing. Allele origin: germline.
Comment: In summary, the available evidence is currently insufficient to determine the role of this variant in disease. Therefore, it has been classified as a Variant of Uncertain Significance. Algorithms developed to predict the effect of missense changes on protein structure and function are either unavailable or do not agree on the potential impact of this missense change (SIFT: "Tolerated"; PolyPhen-2: "Not Available"; Align-GVGD: "Class C0"). This variant has not been reported in the literature in individuals with INF2-related conditions. This variant is not present in population databases (ExAC no frequency). This sequence change replaces alanine with serine at codon 1180 of the INF2 protein (p.Ala1180Ser). The alanine residue is moderately conserved and there is a moderate physicochemical difference between alanine and serine.

NM_022489.4(INF2):c.3538G>T (p.Ala1180Ser)

Gene: INF2 (inverted formin 2; plus strand). Cytogenetic location: 14q32.33.
Variant type: single nucleotide variant.
Coding change: c.3538G>T on transcript NM_022489.4 (MANE Select); coding-DNA position 3538, G replaced by T.
Protein change: p.Ala1180Ser; replaces alanine 1180 with serine.
Molecular consequence: missense variant.
Genome position (GRCh38, 1-based): chr14:104,714,700, G>T. VCF-style: chr14-104714700-G-T. GRCh37 (hg19) VCF-style: chr14-105181037-G-T.
Other names: c.3538G>T, p.Ala1180Ser (NM_001031714.4); short protein forms A1180S.
Identifiers: ClinVar variation 1008055 (VCV001008055.8), dbSNP rs1890210294, ClinGen allele CA391225107.